The following is an entry in ClinVar:

ClinVar aggregate classification (germline): Uncertain significance (1 of 4 stars; one submission).

Conditions:
Hereditary cancer-predisposing syndrome. Also called: Neoplastic Syndromes, Hereditary; Tumor predisposition; Hereditary Cancer Syndrome; Hereditary neoplastic syndrome. Identifiers: Orphanet 140162, MedGen C0027672, MeSH D009386, MONDO:0015356.

Allele frequency attached by ClinVar (database versions not stated): ExAC 0.00001.

Submission:

Color Diagnostics, LLC DBA Color Health
Classification: Uncertain significance for Hereditary cancer-predisposing syndrome. Last evaluated: 2021-12-20. Review status: criteria provided, single submitter. Criteria: ACMG Guidelines, 2015. Collection method: clinical testing. Allele origin: germline.
Comment: This missense variant replaces glutamic acid with lysine at codon 781 of the BRCA1 protein. Computational prediction suggests that this variant may not impact protein structure and function (internally defined REVEL score threshold <= 0.5, PMID: 27666373). To our knowledge, functional studies have not been reported for this variant. This variant has not been reported in individuals affected with hereditary cancer in the literature. This variant has not been identified in the general population by the Genome Aggregation Database (gnomAD). The available evidence is insufficient to determine the role of this variant in disease conclusively. Therefore, this variant is classified as a Variant of Uncertain Significance.

NM_007294.4(BRCA1):c.2341G>A (p.Glu781Lys)

Gene: BRCA1 (BRCA1 DNA repair associated; minus strand). Cytogenetic location: 17q21.31.
Variant type: single nucleotide variant.
Coding change: c.2341G>A on transcript NM_007294.4 (MANE Select); coding-DNA position 2341, G replaced by A.
Protein change: p.Glu781Lys; replaces glutamic acid 781 with lysine.
Molecular consequence: missense variant. On other transcripts: intron variant (137).
Genome position (GRCh38, 1-based): chr17:43,093,190, C>T on the plus strand (G>A on the coding strand, the complement: BRCA1 is on the minus strand). VCF-style: chr17-43093190-C-T. GRCh37 (hg19) VCF-style: chr17-41245207-C-T.
Other names: c.2077G>A, p.Glu693Lys (NM_001407926.1, NM_001407927.1, NM_001407928.1 and 9 more transcripts); c.2074G>A, p.Glu692Lys (NM_001407930.1, NM_001407934.1, NM_001407931.1 and 2 more transcripts); c.2128G>A, p.Glu710Lys (NM_001407571.1, NM_001407853.1, NM_001407894.1 and 9 more transcripts); c.2341G>A, p.Glu781Lys (NM_001407581.1, NM_001407582.1, NM_001407583.1 and 30 more transcripts); c.2338G>A, p.Glu780Lys (NM_001407587.1, NM_001407590.1, NM_001407591.1 and 22 more transcripts); c.2332G>A, p.Glu778Lys (NM_001407646.1, NM_001407647.1); c.2218G>A, p.Glu740Lys (NM_001407648.1, NM_001407664.1, NM_001407665.1 and 19 more transcripts); c.2215G>A, p.Glu739Lys (NM_001407649.1, NM_001407670.1, NM_001407671.1 and 11 more transcripts); and 41 more; short protein forms E669K, E714K, E733K, E613K, E710K, E713K, E485K, E653K.
Identifiers: ClinVar variation 2774852 (VCV002774852.2), dbSNP rs757933953, ClinGen allele CA058655.
Genomic context (GRCh38, chr17:43,093,190, plus strand): 5'-ATTTATTTGGTTCTGTTTTTGCCTTCCCTAGAGTGCTAACTTCCAGTAACGAGATACTTT[C>T]CTGAGTGCCATAATCAGTACCAGGTACCAATGAAATACTGCTACTCTCTACAGATCTTTC-3'
Protein context (NP_009225.1, residues 771-791): LVPGTDYGTQ[Glu781Lys]SISLLEVSTL